The following is an entry in ClinVar:

NM_001127222.2(CACNA1A):c.1572T>A (p.Ile524=)

Gene: CACNA1A (calcium voltage-gated channel subunit alpha1 A; minus strand). Cytogenetic location: 19p13.13.
Variant type: single nucleotide variant.
Coding change: c.1572T>A on transcript NM_001127222.2 (MANE Select); coding-DNA position 1572, T replaced by A.
Protein change: p.Ile524=; no amino-acid change (isoleucine 524 retained).
Molecular consequence: synonymous variant.
Genome position (GRCh38, 1-based): chr19:13,312,765, A>T on the plus strand (T>A on the coding strand, the complement: CACNA1A is on the minus strand). VCF-style: chr19-13312765-A-T. GRCh37 (hg19) VCF-style: chr19-13423579-A-T.
Other names: c.1575T>A, p.Ile525= (NM_000068.4, NM_001127221.2, NM_001174080.2 and 1 more transcripts); c.1575T>A (NM_000068.2).
Identifiers: ClinVar variation 282732 (VCV000282732.48), dbSNP rs16010, ClinGen allele CA9240781.
Genomic context (GRCh38, chr19:13,312,765, plus strand): 5'-AGGCCGCGTCCCAAGCCCGTACATTTTTATAAACATTTCGGACATAAAGAGTCCTAAGAA[A>T]ATGAATTCTGCATAGTCTAGAAGGGAGAAGGAGGAAACAGAGAGGAGGTTAGGCTTGCTG-3'
Protein context (NP_001120694.1, residues 514-534): LSDFLYYAEF[Ile524=]FLGLFMSEMF

ClinVar aggregate classification (germline): Benign/Likely benign. Review status: criteria provided, multiple submitters, no conflicts (2 of 4 stars). 8 submissions from 8 submitters: Benign (4); Likely benign (4). Last evaluated 2026-06-01.

Conditions:
Developmental and epileptic encephalopathy, 42 (DEE42A). Also called: DEVELOPMENTAL AND EPILEPTIC ENCEPHALOPATHY 42A; EPILEPTIC ENCEPHALOPATHY, EARLY INFANTILE, 42A; Epileptic encephalopathy, early infantile, 42. Identifiers: MedGen C4310716, MONDO:0014917, OMIM 617106.
Episodic ataxia type 2 (EA2). Also called: ATAXIA, EPISODIC, WITH NYSTAGMUS; ATAXIA, FAMILIAL PAROXYSMAL; CEREBELLAR ATAXIA, PAROXYSMAL, ACETAZOLAMIDE-RESPONSIVE; CEREBELLOPATHY, HEREDITARY PAROXYSMAL; EPISODIC ATAXIA, NYSTAGMUS-ASSOCIATED; ACETAZOLAMIDE-RESPONSIVE HEREDITARY PAROXYSMAL CEREBELLAR ATAXIA. Identifiers: Orphanet 97, MedGen C1720416, MONDO:0007163, OMIM 108500.
Inborn genetic diseases. Identifiers: MedGen C0950123, MeSH D030342.

Allele frequency attached by ClinVar (database versions not stated): gnomAD 0.00030 and 0.00042; TOPMed 0.00039; gnomAD exomes 0.00057; 1000 Genomes Project 0.00220; 1000 Genomes Project 30x 0.00234.
gnomAD v4.1: 363 of 1,575,056 alleles (0.023%); highest among the groups gnomAD compares: East Asian, 0.53%; 3 homozygotes.

Submissions (8):

CeGaT Center for Human Genetics Tuebingen
Classification: Likely benign. Last evaluated: 2026-06-01. Review status: criteria provided, single submitter. Criteria: CeGaT Center For Human Genetics Tuebingen Variant Classification Criteria Version 2. Collection method: clinical testing. Allele origin: germline. Affected: yes. Observed: 3 variant alleles.
Comment: CACNA1A: BP4, BS1

Labcorp Genetics (formerly Invitae), Labcorp
Classification: Benign for Developmental and epileptic encephalopathy, 42; Episodic ataxia type 2. Last evaluated: 2026-01-19. Review status: criteria provided, single submitter. Criteria: Invitae Variant Classification Sherloc (09022015). Collection method: clinical testing. Allele origin: germline.

Blueprint Genetics
Classification: Likely benign. Last evaluated: 2024-11-27. Review status: criteria provided, single submitter. Criteria: ACMG Guidelines, 2015. Collection method: clinical testing. Allele origin: germline.

Athena Diagnostics
Classification: Benign. Last evaluated: 2020-11-13. Review status: criteria provided, single submitter. Criteria: Athena Diagnostics criteria. Collection method: clinical testing. Allele origin: unknown.

GeneDx
Classification: Benign. Last evaluated: 2019-09-03. Review status: criteria provided, single submitter. Criteria: GeneDx Variant Classification Process June 2021. Collection method: clinical testing. Allele origin: germline. Affected: yes.

Ambry Genetics
Classification: Likely benign for Inborn genetic diseases. Last evaluated: 2016-04-05. Review status: criteria provided, single submitter. Criteria: Ambry Variant Classification Scheme 2023. Collection method: clinical testing. Allele origin: germline.

Eurofins Ntd Llc (ga)
Classification: Benign. Last evaluated: 2015-08-19. Review status: criteria provided, single submitter. Criteria: EGL Classification Definitions 2015. Collection method: clinical testing. Allele origin: germline. Observed: 1 variant allele, 1 homozygote.

Breakthrough Genomics
Classification: Likely benign. Review status: criteria provided, single submitter. Criteria: ACMG Guidelines, 2015. Collection method: not provided. Allele origin: germline. Inheritance: Autosomal dominant inheritance. Affected: yes.